The following is an entry in ClinVar:

NM_001130144.3(LTBP3):c.1780C>T (p.Pro594Ser)

Gene: LTBP3 (latent transforming growth factor beta binding protein 3; minus strand). Cytogenetic location: 11q13.1.
Variant type: single nucleotide variant.
Coding change: c.1780C>T on transcript NM_001130144.3 (MANE Select); coding-DNA position 1780, C replaced by T.
Protein change: p.Pro594Ser; replaces proline 594 with serine.
Molecular consequence: missense variant.
Genome position (GRCh38, 1-based): chr11:65,547,986, G>A on the plus strand (C>T on the coding strand, the complement: LTBP3 is on the minus strand). VCF-style: chr11-65547986-G-A. GRCh37 (hg19) VCF-style: chr11-65315457-G-A.
Other names: c.1429C>T, p.Pro477Ser (NM_001164266.1); c.1780C>T, p.Pro594Ser (NM_021070.4); short protein forms P477S, P594S.
Identifiers: ClinVar variation 1393528 (VCV001393528.6), dbSNP rs2135143369, ClinGen allele CA381271979.
Genomic context (GRCh38, chr11:65,547,986, plus strand): 5'-AGTAGCGGTGCTGGGGATGTGACCGGTAGCCGGGGTTGCAGTGGCAGGAGTAGTCAGGGG[G>A]GCCCGGCACGCACTCTCCGTGGCCACAGATGTTCTGGTTCAGTCGGCACTCATCAGTCTC-3'
Protein context (NP_001123616.1, residues 584-604): ICGHGECVPG[Pro594Ser]PDYSCHCNPG

ClinVar aggregate classification (germline): Uncertain significance (1 of 4 stars; one submission).

Conditions:
Brachyolmia-amelogenesis imperfecta syndrome. Also called: PLATYSPONDYLY WITH AMELOGENESIS IMPERFECTA; Tooth agenesis, selective, 6; Dental anomalies and short stature. Identifiers: Orphanet 2899, MedGen C1832594, MONDO:0011018, OMIM 601216. Disease mechanism: loss of function.

Submission:

Labcorp Genetics (formerly Invitae), Labcorp
Classification: Uncertain significance for Brachyolmia-amelogenesis imperfecta syndrome. Last evaluated: 2025-09-08. Review status: criteria provided, single submitter. Criteria: Invitae Variant Classification Sherloc (09022015). Collection method: clinical testing. Allele origin: germline.
Comment: This sequence change replaces proline, which is neutral and non-polar, with serine, which is neutral and polar, at codon 594 of the LTBP3 protein (p.Pro594Ser). This variant is not present in population databases (gnomAD no frequency). This variant has not been reported in the literature in individuals affected with LTBP3-related conditions. ClinVar contains an entry for this variant (Variation ID: 1393528). An algorithm developed to predict the effect of missense changes on protein structure and function (PolyPhen-2) suggests that this variant is likely to be tolerated. In summary, the available evidence is currently insufficient to determine the role of this variant in disease. Therefore, it has been classified as a Variant of Uncertain Significance.